The following is an entry in ClinVar:

ClinVar aggregate classification (germline): Uncertain significance (1 of 4 stars; one submission).

Allele frequency attached by ClinVar (database versions not stated): gnomAD exomes 0.00001; TOPMed 0.00001; gnomAD 0.00003.
gnomAD v4.1: 16 of 1,613,510 alleles (0.00099%); highest among the groups gnomAD compares: Middle Eastern, 0.016%; no homozygotes.

Submission:

Labcorp Genetics (formerly Invitae), Labcorp
Classification: Uncertain significance. Last evaluated: 2021-11-25. Review status: criteria provided, single submitter. Criteria: Invitae Variant Classification Sherloc (09022015). Collection method: clinical testing. Allele origin: germline.
Comment: In summary, the available evidence is currently insufficient to determine the role of this variant in disease. Therefore, it has been classified as a Variant of Uncertain Significance. Algorithms developed to predict the effect of sequence changes on RNA splicing suggest that this variant may create or strengthen a splice site. Advanced modeling of protein sequence and biophysical properties (such as structural, functional, and spatial information, amino acid conservation, physicochemical variation, residue mobility, and thermodynamic stability) performed at Invitae indicates that this missense variant is not expected to disrupt DCHS1 protein function. This variant has not been reported in the literature in individuals affected with DCHS1-related conditions. This variant is present in population databases (rs753052073, gnomAD 0.003%). This sequence change replaces arginine, which is basic and polar, with glutamine, which is neutral and polar, at codon 2002 of the DCHS1 protein (p.Arg2002Gln).

NM_003737.4(DCHS1):c.6005G>A (p.Arg2002Gln)

Gene: DCHS1 (dachsous cadherin-related 1; minus strand). Cytogenetic location: 11p15.4.
Variant type: single nucleotide variant.
Coding change: c.6005G>A on transcript NM_003737.4 (MANE Select); coding-DNA position 6005, G replaced by A.
Protein change: p.Arg2002Gln; replaces arginine 2002 with glutamine.
Molecular consequence: missense variant.
Genome position (GRCh38, 1-based): chr11:6,627,034, C>T on the plus strand (G>A on the coding strand, the complement: DCHS1 is on the minus strand). VCF-style: chr11-6627034-C-T. GRCh37 (hg19) VCF-style: chr11-6648265-C-T.
Other names: short protein forms R2002Q.
Identifiers: ClinVar variation 1442121 (VCV001442121.6), dbSNP rs753052073, ClinGen allele CA217297265.
Genomic context (GRCh38, chr11:6,627,034, plus strand): 5'-ACGCGGATTTCACCAGTGTAAGAGTCCACAGTAGTGCCAGGAGGTGGTGTGCCTGCCAGC[C>T]GGTACAGAATGGAAGCATTGGCACCAGCATCACGATCTTCAGCTCTCAGTGTGGCCAGAG-3'
Protein context (NP_003728.1, residues 1992-2012): DAGANASILY[Arg2002Gln]LAGTPPPGTT